The following is an entry in ClinVar:

ClinVar aggregate classification (germline): Likely benign (1 of 4 stars; one submission).

Allele frequency attached by ClinVar (database versions not stated): gnomAD exomes 0.00001.

Submission:

CeGaT Center for Human Genetics Tuebingen
Classification: Likely benign. Last evaluated: 2023-10-01. Review status: criteria provided, single submitter. Criteria: CeGaT Center For Human Genetics Tuebingen Variant Classification Criteria Version 2. Collection method: clinical testing. Allele origin: germline. Affected: yes. Observed: 1 variant allele.
Comment: SPEN: BP4, BS2

NM_015001.3(SPEN):c.5009A>G (p.Glu1670Gly)

Gene: SPEN (spen family transcriptional repressor; plus strand). Cytogenetic location: 1p36.13.
Variant type: single nucleotide variant.
Coding change: c.5009A>G on transcript NM_015001.3 (MANE Select); coding-DNA position 5009, A replaced by G.
Protein change: p.Glu1670Gly; replaces glutamic acid 1670 with glycine.
Molecular consequence: missense variant.
Genome position (GRCh38, 1-based): chr1:15,931,249, A>G. VCF-style: chr1-15931249-A-G. GRCh37 (hg19) VCF-style: chr1-16257744-A-G.
Other names: short protein forms E1670G.
Identifiers: ClinVar variation 2638319 (VCV002638319.24), dbSNP rs750729223, ClinGen allele CA619656.